The following is an entry in ClinVar:

ClinVar aggregate classification (germline): Uncertain significance. Review status: criteria provided, multiple submitters, no conflicts (2 of 4 stars). 3 submissions from 3 submitters: Uncertain significance (3). Last evaluated 2025-08-05.

Conditions:
Hereditary cancer-predisposing syndrome. Also called: Tumor predisposition; Neoplastic Syndromes, Hereditary; Hereditary Cancer Syndrome; Hereditary neoplastic syndrome. Identifiers: Orphanet 140162, MedGen C0027672, MeSH D009386, MONDO:0015356.
Fanconi anemia complementation group J. Also called: BRIP1-Related Fanconi Anemia. Identifiers: Orphanet 84, MedGen C1836860, MONDO:0012187, OMIM 609054.
Familial cancer of breast. Also called: BREAST CANCER, FAMILIAL; Hereditary breast cancer; hereditary breast carcinoma. Identifiers: Orphanet 227535, MedGen C0346153, MONDO:0016419, OMIM 114480. Disease mechanism: loss of function.

Allele frequency attached by ClinVar (database versions not stated): gnomAD exomes below 0.00001; TOPMed 0.00001.
gnomAD v4.1: 2 of 1,612,270 alleles (0.00012%); highest among the groups gnomAD compares: African/African-American, 0.0027%; no homozygotes.

Submissions (3):

Labcorp Genetics (formerly Invitae), Labcorp
Classification: Uncertain significance for Familial cancer of breast; Fanconi anemia complementation group J. Last evaluated: 2025-08-05. Review status: criteria provided, single submitter. Criteria: Invitae Variant Classification Sherloc (09022015). Collection method: clinical testing. Allele origin: germline.
Comment: This sequence change replaces asparagine, which is neutral and polar, with aspartic acid, which is acidic and polar, at codon 1147 of the BRIP1 protein (p.Asn1147Asp). This variant is not present in population databases (gnomAD no frequency). This variant has not been reported in the literature in individuals affected with BRIP1-related conditions. ClinVar contains an entry for this variant (Variation ID: 479478). Invitae Evidence Modeling of protein sequence and biophysical properties (such as structural, functional, and spatial information, amino acid conservation, physicochemical variation, residue mobility, and thermodynamic stability) indicates that this missense variant is not expected to disrupt BRIP1 protein function with a negative predictive value of 95%. In summary, the available evidence is currently insufficient to determine the role of this variant in disease. Therefore, it has been classified as a Variant of Uncertain Significance.

Ambry Genetics
Classification: Uncertain significance for Hereditary cancer-predisposing syndrome. Last evaluated: 2023-06-12. Review status: criteria provided, single submitter. Criteria: Ambry Variant Classification Scheme 2023. Collection method: clinical testing. Allele origin: germline.
Comment: The p.N1147D variant (also known as c.3439A>G), located in coding exon 19 of the BRIP1 gene, results from an A to G substitution at nucleotide position 3439. The asparagine at codon 1147 is replaced by aspartic acid, an amino acid with highly similar properties. This amino acid position is poorly conserved in available vertebrate species. In addition, this alteration is predicted to be tolerated by in silico analysis. Since supporting evidence is limited at this time, the clinical significance of this alteration remains unclear.

Fulgent Genetics
Classification: Uncertain significance for Familial cancer of breast; Fanconi anemia complementation group J. Last evaluated: 2022-05-08. Review status: criteria provided, single submitter. Criteria: ACMG Guidelines, 2015. Collection method: clinical testing. Allele origin: unknown.

NM_032043.3(BRIP1):c.3439A>G (p.Asn1147Asp)

Gene: BRIP1 (BRCA1 interacting DNA helicase 1; minus strand). Cytogenetic location: 17q23.2.
Variant type: single nucleotide variant.
Coding change: c.3439A>G on transcript NM_032043.3 (MANE Select); coding-DNA position 3439, A replaced by G.
Protein change: p.Asn1147Asp; replaces asparagine 1147 with aspartic acid.
Molecular consequence: missense variant.
Genome position (GRCh38, 1-based): chr17:61,683,607, T>C on the plus strand (A>G on the coding strand, the complement: BRIP1 is on the minus strand). VCF-style: chr17-61683607-T-C. GRCh37 (hg19) VCF-style: chr17-59760968-T-C.
Other names: short protein forms N1147D.
Identifiers: ClinVar variation 479478 (VCV000479478.15), dbSNP rs1258403817, ClinGen allele CA400478723.
Genomic context (GRCh38, chr17:61,683,607, plus strand): 5'-CTAAAATGCAATCTGAATTGTTAGCCAATCTATTTCCTCTATCAGTTTCAGCTAGGTCAT[T>C]TTTTTCTTCATCTGTATCTTCAGGATCATAAAGTTCAGGTGTAAAATAGATAGATTCATC-3'
Protein context (NP_114432.2, residues 1137-1157): YDPEDTDEEK[Asn1147Asp]DLAETDRGNR